The following is an entry in ClinVar:

NM_020366.4(RPGRIP1):c.1876A>T (p.Asn626Tyr)

Gene: RPGRIP1 (RPGR interacting protein 1; plus strand). Cytogenetic location: 14q11.2.
Variant type: single nucleotide variant.
Coding change: c.1876A>T on transcript NM_020366.4 (MANE Select); coding-DNA position 1876, A replaced by T.
Protein change: p.Asn626Tyr; replaces asparagine 626 with tyrosine.
Molecular consequence: missense variant. On other transcripts: intron variant (4).
Genome position (GRCh38, 1-based): chr14:21,324,731, A>T. VCF-style: chr14-21324731-A-T. GRCh37 (hg19) VCF-style: chr14-21792890-A-T.
Other names: c.802A>T, p.Asn268Tyr (NM_001377948.1); c.796+6A>T (NM_001377949.1); c.688+2727A>T (NM_001377523.1, NM_001377950.1); c.190+2727A>T (NM_001377951.1); short protein forms N268Y, N626Y.
Identifiers: ClinVar variation 1015868 (VCV001015868.9), dbSNP rs1882869988, ClinGen allele CA388867105.

ClinVar aggregate classification (germline): Uncertain significance. Review status: criteria provided, multiple submitters, no conflicts (2 of 4 stars). 2 submissions from 2 submitters: Uncertain significance (2). Last evaluated 2024-12-23.

Conditions:
Leber congenital amaurosis 6 (LCA6). Identifiers: Orphanet 65, MedGen C1854260, MONDO:0013446, OMIM 613826.
Cone-rod dystrophy 13 (CORD13). Identifiers: Orphanet 1872, MedGen C2750720, MONDO:0011987, OMIM 608194.

Allele frequency attached by ClinVar (database versions not stated): gnomAD exomes below 0.00001.
gnomAD v4.1: 1 of 1,614,024 alleles (0.000062%); highest among the groups gnomAD compares: Admixed American, 0.0017%; no homozygotes.

Submissions (2):

Labcorp Genetics (formerly Invitae), Labcorp
Classification: Uncertain significance for Leber congenital amaurosis 6; Cone-rod dystrophy 13. Last evaluated: 2024-12-23. Review status: criteria provided, single submitter. Criteria: Invitae Variant Classification Sherloc (09022015). Collection method: clinical testing. Allele origin: germline.
Comment: This sequence change replaces asparagine, which is neutral and polar, with tyrosine, which is neutral and polar, at codon 626 of the RPGRIP1 protein (p.Asn626Tyr). This variant is not present in population databases (gnomAD no frequency). This missense change has been observed in individuals with RPGRIP1-related conditions (internal data). ClinVar contains an entry for this variant (Variation ID: 1015868). Invitae Evidence Modeling of protein sequence and biophysical properties (such as structural, functional, and spatial information, amino acid conservation, physicochemical variation, residue mobility, and thermodynamic stability) indicates that this missense variant is expected to disrupt RPGRIP1 protein function with a positive predictive value of 80%. Algorithms developed to predict the effect of sequence changes on RNA splicing suggest that this variant may create or strengthen a splice site. In summary, the available evidence is currently insufficient to determine the role of this variant in disease. Therefore, it has been classified as a Variant of Uncertain Significance.

Blueprint Genetics
Classification: Uncertain significance. Last evaluated: 2021-12-23. Review status: criteria provided, single submitter. Criteria: ACMG Guidelines, 2015. Collection method: clinical testing. Allele origin: germline.